The following is an entry in ClinVar:

NM_000243.3(MEFV):c.1130G>A (p.Arg377His)

Gene: MEFV (MEFV innate immunity regulator, pyrin; minus strand). Cytogenetic location: 16p13.3.
Variant type: single nucleotide variant.
Coding change: c.1130G>A on transcript NM_000243.3 (MANE Select); coding-DNA position 1130, G replaced by A.
Protein change: p.Arg377His; replaces arginine 377 with histidine.
Molecular consequence: missense variant.
Genome position (GRCh38, 1-based): chr16:3,249,561, C>T on the plus strand (G>A on the coding strand, the complement: MEFV is on the minus strand). VCF-style: chr16-3249561-C-T. GRCh37 (hg19) VCF-style: chr16-3299561-C-T.
Other names: c.497G>A, p.Arg166His (NM_001198536.2); short protein forms R166H, R377H.
Identifiers: ClinVar variation 1335201 (VCV001335201.38), dbSNP rs144998416, ClinGen allele CA7860228.

ClinVar aggregate classification (germline): Conflicting classifications of pathogenicity. Review status: criteria provided, conflicting classifications (1 of 4 stars). 5 submissions from 3 submitters: Uncertain significance (3); Likely benign (2). Last evaluated 2023-02-08.

Conditions:
Acute febrile neutrophilic dermatosis (AFND). Also called: Sweet Syndrome; Gomm Button disease. Identifiers: Orphanet 3243, MedGen C0085077, MONDO:0011959, OMIM 608068.
Familial Mediterranean fever (FMF). Also called: POLYSEROSITIS, FAMILIAL PAROXYSMAL; POLYSEROSITIS, RECURRENT; Periodic peritonitis; Benign paroxysmal peritonitis. Identifiers: Orphanet 342, MedGen C0031069, MONDO:0018088, OMIM 249100. Disease mechanism: gain of function.
Familial Mediterranean fever, autosomal dominant. Also called: Dominant Familial Mediterranean Fever; FMF, AUTOSOMAL DOMINANT. Identifiers: Orphanet 342, MedGen C1851347, MONDO:0007601, OMIM 134610.

Allele frequency attached by ClinVar (database versions not stated): gnomAD exomes 0.00001 and 0.00003; ExAC 0.00003; gnomAD 0.00003 and 0.00004; TOPMed 0.00008; ESP Exome Variant Server 0.00015.
gnomAD v4.1: 25 of 1,614,092 alleles (0.0015%); highest among the groups gnomAD compares: African/African-American, 0.016%; no homozygotes.

Submissions (5):

Genome-Nilou Lab
Classification: Uncertain significance for Familial Mediterranean fever. Last evaluated: 2023-02-08. Review status: criteria provided, single submitter. Criteria: ACMG Guidelines, 2015. Collection method: clinical testing. Allele origin: germline.

Genome-Nilou Lab
Classification: Likely benign for Familial Mediterranean fever, autosomal dominant. Last evaluated: 2023-02-08. Review status: criteria provided, single submitter. Criteria: ACMG Guidelines, 2015. Collection method: clinical testing. Allele origin: germline.

Genome-Nilou Lab
Classification: Likely benign for Acute febrile neutrophilic dermatosis. Last evaluated: 2023-02-08. Review status: criteria provided, single submitter. Criteria: ACMG Guidelines, 2015. Collection method: clinical testing. Allele origin: germline.

Labcorp Genetics (formerly Invitae), Labcorp
Classification: Uncertain significance for Familial Mediterranean fever. Last evaluated: 2022-08-19. Review status: criteria provided, single submitter. Criteria: Invitae Variant Classification Sherloc (09022015). Collection method: clinical testing. Allele origin: germline.
Comment: This sequence change replaces arginine, which is basic and polar, with histidine, which is basic and polar, at codon 377 of the MEFV protein (p.Arg377His). This variant is present in population databases (rs144998416, gnomAD 0.02%). This variant has not been reported in the literature in individuals affected with MEFV-related conditions. ClinVar contains an entry for this variant (Variation ID: 1335201). Algorithms developed to predict the effect of missense changes on protein structure and function (SIFT, PolyPhen-2, Align-GVGD) all suggest that this variant is likely to be tolerated. In summary, the available evidence is currently insufficient to determine the role of this variant in disease. Therefore, it has been classified as a Variant of Uncertain Significance.

CeGaT Center for Human Genetics Tuebingen
Classification: Uncertain significance. Last evaluated: 2021-10-01. Review status: criteria provided, single submitter. Criteria: CeGaT Center For Human Genetics Tuebingen Variant Classification Criteria Version 2. Collection method: clinical testing. Allele origin: germline. Affected: yes. Observed: 1 variant allele.